The following is an entry in ClinVar:

NM_004656.4(BAP1):c.1128C>G (p.Asp376Glu)

Gene: BAP1 (BRCA1 associated deubiquitinase 1; minus strand). Cytogenetic location: 3p21.1.
Variant type: single nucleotide variant.
Coding change: c.1128C>G on transcript NM_004656.4 (MANE Select); coding-DNA position 1128, C replaced by G.
Protein change: p.Asp376Glu; replaces aspartic acid 376 with glutamic acid.
Molecular consequence: missense variant.
Genome position (GRCh38, 1-based): chr3:52,404,575, G>C on the plus strand (C>G on the coding strand, the complement: BAP1 is on the minus strand). VCF-style: chr3-52404575-G-C. GRCh37 (hg19) VCF-style: chr3-52438591-G-C.
Other names: c.1074C>G, p.Asp358Glu (NM_001410772.1); short protein forms D358E, D376E.
Identifiers: ClinVar variation 3718773 (VCV003718773.3).

ClinVar aggregate classification (germline): Uncertain significance. Review status: criteria provided, multiple submitters, no conflicts (2 of 4 stars). 2 submissions from 2 submitters: Uncertain significance (2). Last evaluated 2025-06-25.

Conditions:
BAP1-related tumor predisposition syndrome (TPDS1). Also called: Tumor susceptibility linked to germline BAP1 mutations; COMMON Syndrome; TUMOR PREDISPOSITION SYNDROME 1; BAP1 tumor predisposition syndrome. Identifiers: Orphanet 289539, MedGen C3280492, MONDO:0013692, OMIM 614327.
Hereditary cancer-predisposing syndrome. Also called: Tumor predisposition; Hereditary Cancer Syndrome; Hereditary neoplastic syndrome; Neoplastic Syndromes, Hereditary. Identifiers: Orphanet 140162, MedGen C0027672, MeSH D009386, MONDO:0015356.

Submissions (2):

Ambry Genetics
Classification: Uncertain significance for Hereditary cancer-predisposing syndrome. Last evaluated: 2025-06-25. Review status: criteria provided, single submitter. Criteria: Ambry Variant Classification Scheme 2023. Collection method: clinical testing. Allele origin: germline.
Comment: The p.D376E variant (also known as c.1128C>G), located in coding exon 12 of the BAP1 gene, results from a C to G substitution at nucleotide position 1128. The aspartic acid at codon 376 is replaced by glutamic acid, an amino acid with highly similar properties. This amino acid position is conserved. In addition, this alteration is predicted to be tolerated by in silico analysis. Based on the available evidence, the clinical significance of this variant remains unclear.

Labcorp Genetics (formerly Invitae), Labcorp
Classification: Uncertain significance for BAP1-related tumor predisposition syndrome. Last evaluated: 2024-12-29. Review status: criteria provided, single submitter. Criteria: Invitae Variant Classification Sherloc (09022015). Collection method: clinical testing. Allele origin: germline.
Comment: This sequence change replaces aspartic acid, which is acidic and polar, with glutamic acid, which is acidic and polar, at codon 376 of the BAP1 protein (p.Asp376Glu). This variant is not present in population databases (gnomAD no frequency). This variant has not been reported in the literature in individuals affected with BAP1-related conditions. Invitae Evidence Modeling of protein sequence and biophysical properties (such as structural, functional, and spatial information, amino acid conservation, physicochemical variation, residue mobility, and thermodynamic stability) indicates that this missense variant is not expected to disrupt BAP1 protein function with a negative predictive value of 80%. In summary, the available evidence is currently insufficient to determine the role of this variant in disease. Therefore, it has been classified as a Variant of Uncertain Significance.